The following is an entry in ClinVar:

ClinVar aggregate classification (germline): Uncertain significance (1 of 4 stars; one submission).

Allele frequency attached by ClinVar (database versions not stated): gnomAD exomes below 0.00001; TOPMed below 0.00001; ExAC 0.00001; gnomAD 0.00001.
gnomAD v4.1: 7 of 1,613,980 alleles (0.00043%); highest among the groups gnomAD compares: South Asian, 0.0011%; no homozygotes.

Submission:

Labcorp Genetics (formerly Invitae), Labcorp
Classification: Uncertain significance. Last evaluated: 2023-07-09. Review status: criteria provided, single submitter. Criteria: Invitae Variant Classification Sherloc (09022015). Collection method: clinical testing. Allele origin: germline.
Comment: ClinVar contains an entry for this variant (Variation ID: 2096654). In summary, the available evidence is currently insufficient to determine the role of this variant in disease. Therefore, it has been classified as a Variant of Uncertain Significance. Advanced modeling of protein sequence and biophysical properties (such as structural, functional, and spatial information, amino acid conservation, physicochemical variation, residue mobility, and thermodynamic stability) performed at Invitae indicates that this missense variant is not expected to disrupt CTNNB1 protein function. This variant has not been reported in the literature in individuals affected with CTNNB1-related conditions. This variant is present in population databases (rs751139724, gnomAD 0.003%). This sequence change replaces isoleucine, which is neutral and non-polar, with valine, which is neutral and non-polar, at codon 596 of the CTNNB1 protein (p.Ile596Val).

NM_001904.4(CTNNB1):c.1786A>G (p.Ile596Val)

Gene: CTNNB1 (catenin beta 1; plus strand). Cytogenetic location: 3p22.1.
Variant type: single nucleotide variant.
Coding change: c.1786A>G on transcript NM_001904.4 (MANE Select); coding-DNA position 1786, A replaced by G.
Protein change: p.Ile596Val; replaces isoleucine 596 with valine.
Molecular consequence: missense variant.
Genome position (GRCh38, 1-based): chr3:41,235,826, A>G. VCF-style: chr3-41235826-A-G. GRCh37 (hg19) VCF-style: chr3-41277317-A-G.
Other names: c.1786A>G, p.Ile596Val (NM_001098209.2, NM_001098210.2); c.1765A>G, p.Ile589Val (NM_001330729.2); short protein forms I589V, I596V.
Identifiers: ClinVar variation 2096654 (VCV002096654.4), dbSNP rs751139724, ClinGen allele CA2331168.
Genomic context (GRCh38, chr3:41,235,826, plus strand): 5'-GCCCTTCACATCCTAGCTCGGGATGTTCACAACCGAATTGTTATCAGAGGACTAAATACC[A>G]TTCCATTGTTTGTGCAGGTATGTTTTAAGTGAAGTGTTCTAGGTTTTATGTCCATAAAAT-3'
Protein context (NP_001895.1, residues 586-606): NRIVIRGLNT[Ile596Val]PLFVQLLYSP